The following is an entry in ClinVar:

ClinVar aggregate classification (germline): Pathogenic/Likely pathogenic. Review status: criteria provided, multiple submitters, no conflicts (2 of 4 stars). 3 submissions from 3 submitters: Pathogenic (1); Likely pathogenic (2). Last evaluated 2025-09-18.

Conditions:
Autosomal recessive distal spinal muscular atrophy 1. Also called: HMN VI; NEURONOPATHY, SEVERE INFANTILE AXONAL, WITH RESPIRATORY FAILURE; SEVERE INFANTILE AXONAL NEUROPATHY WITH RESPIRATORY FAILURE; SPINAL MUSCULAR ATROPHY, DIAPHRAGMATIC; Spinal muscular atrophy with respiratory distress 1; NEURONOPATHY, DISTAL HEREDITARY MOTOR, HARDING TYPE VI. Identifiers: Orphanet 98920, MedGen C1858517, MONDO:0011436, OMIM 604320.
Charcot-Marie-Tooth disease axonal type 2S. Also called: CHARCOT-MARIE-TOOTH NEUROPATHY, TYPE 2S; CHARCOT-MARIE-TOOTH DISEASE, AXONAL, AUTOSOMAL RECESSIVE, TYPE 2S. Identifiers: Orphanet 443073, MedGen C4015349, MONDO:0014511, OMIM 616155.

Allele frequency attached by ClinVar (database versions not stated): gnomAD exomes below 0.00001.
gnomAD v4.1: 6 of 1,613,904 alleles (0.00037%); highest among the groups gnomAD compares: South Asian, 0.0011%; no homozygotes.

Submissions (3):

First Genomix Gene Laboratory, Genetic Diagnostics Department
Classification: Likely pathogenic for Charcot-Marie-Tooth disease axonal type 2S; Autosomal recessive distal spinal muscular atrophy 1. Last evaluated: 2025-09-18. Review status: criteria provided, single submitter. Criteria: ACMG Guidelines, 2015. Collection method: clinical testing. Allele origin: germline. Inheritance: Autosomal recessive inheritance. Affected: no. Observed: 1 variant allele.

Labcorp Genetics (formerly Invitae), Labcorp
Classification: Pathogenic for Autosomal recessive distal spinal muscular atrophy 1; Charcot-Marie-Tooth disease axonal type 2S. Last evaluated: 2024-12-22. Review status: criteria provided, single submitter. Criteria: Invitae Variant Classification Sherloc (09022015). Collection method: clinical testing. Allele origin: germline.
Comment: This sequence change replaces glutamic acid, which is acidic and polar, with lysine, which is basic and polar, at codon 376 of the IGHMBP2 protein (p.Glu376Lys). This variant is present in population databases (no rsID available, gnomAD 0.003%). This missense change has been observed in individual(s) with clinical features of IGHMBP2-related conditions (PMID: 30598237; external communication). In at least one individual the data is consistent with being in trans (on the opposite chromosome) from a pathogenic variant. ClinVar contains an entry for this variant (Variation ID: 1468031). Invitae Evidence Modeling of protein sequence and biophysical properties (such as structural, functional, and spatial information, amino acid conservation, physicochemical variation, residue mobility, and thermodynamic stability) indicates that this missense variant is expected to disrupt IGHMBP2 protein function with a positive predictive value of 95%. For these reasons, this variant has been classified as Pathogenic.

Baylor Genetics
Classification: Likely pathogenic for Autosomal recessive distal spinal muscular atrophy 1. Last evaluated: 2022-01-20. Review status: criteria provided, single submitter. Criteria: ACMG Guidelines, 2015. Collection method: clinical testing. Allele origin: unknown.

Literature cited by the submitters: PubMed 30598237 (cited by Labcorp Genetics (formerly Invitae), Labcorp).

NM_002180.3(IGHMBP2):c.1126G>A (p.Glu376Lys)

Gene: IGHMBP2 (immunoglobulin mu DNA binding protein 2; plus strand). Cytogenetic location: 11q13.3.
Variant type: single nucleotide variant.
Coding change: c.1126G>A on transcript NM_002180.3 (MANE Select); coding-DNA position 1126, G replaced by A.
Protein change: p.Glu376Lys; replaces glutamic acid 376 with lysine.
Molecular consequence: missense variant.
Genome position (GRCh38, 1-based): chr11:68,929,248, G>A. VCF-style: chr11-68929248-G-A. GRCh37 (hg19) VCF-style: chr11-68696716-G-A.
Other names: c.1126G>A (NM_002180.2); short protein forms E376K.
Identifiers: ClinVar variation 1468031 (VCV001468031.7), dbSNP rs1178427226, ClinGen allele CA381647502.